The following is an entry in ClinVar:

ClinVar aggregate classification (germline): Benign (0 of 4 stars; one submission).

Conditions:
DNAH2-related disorder. Also called: DNAH2-related condition.

Allele frequency attached by ClinVar (database versions not stated): ESP Exome Variant Server 0.05782; gnomAD 0.07656; TOPMed 0.07970; gnomAD exomes 0.09080; ExAC 0.10776; 1000 Genomes Project 30x 0.11399; 1000 Genomes Project 0.11482.
gnomAD v4.1: 144,402 of 1,614,054 alleles (8.9%); highest among the groups gnomAD compares: Admixed American, 24%; 8,268 homozygotes.

Submission:

PreventionGenetics, part of Exact Sciences
Classification: Benign for DNAH2-related condition. Last evaluated: 2019-02-28. Review status: no assertion criteria provided. Collection method: clinical testing. Allele origin: germline.
Comment: This variant is classified as benign based on ACMG/AMP sequence variant interpretation guidelines (Richards et al. 2015 PMID: 25741868, with internal and published modifications).

NM_020877.5(DNAH2):c.12764G>A (p.Arg4255Gln)

Gene: DNAH2 (dynein axonemal heavy chain 2; plus strand). Cytogenetic location: 17p13.1.
Variant type: single nucleotide variant.
Coding change: c.12764G>A on transcript NM_020877.5 (MANE Select); coding-DNA position 12764, G replaced by A.
Protein change: p.Arg4255Gln; replaces arginine 4255 with glutamine.
Molecular consequence: missense variant.
Genome position (GRCh38, 1-based): chr17:7,832,616, G>A. VCF-style: chr17-7832616-G-A. GRCh37 (hg19) VCF-style: chr17-7735934-G-A.
Other names: short protein forms R4255Q.
Identifiers: ClinVar variation 3059186 (VCV003059186.2), dbSNP rs61745181, ClinGen allele CA8359840.